The following is an entry in ClinVar:

ClinVar aggregate classification (germline): Uncertain significance (1 of 4 stars; one submission).

Conditions:
Congenital muscular dystrophy due to integrin alpha-7 deficiency. Also called: Congenital muscular dystrophy with integrin alpha-7 deficiency; Muscular dystrophy, congenital, due to ITGA7 deficiency; MYOPATHY, CONGENITAL, DUE TO INTEGRIN ALPHA-7 DEFICIENCY. Identifiers: Orphanet 34520, MedGen C2750786, MONDO:0013177, OMIM 613204.

gnomAD v4.1: 3 of 1,613,982 alleles (0.00019%); highest among the groups gnomAD compares: Non-Finnish European, 0.00025%; no homozygotes.

Submission:

Labcorp Genetics (formerly Invitae), Labcorp
Classification: Uncertain significance for Congenital muscular dystrophy due to integrin alpha-7 deficiency. Last evaluated: 2020-08-14. Review status: criteria provided, single submitter. Criteria: Invitae Variant Classification Sherloc (09022015). Collection method: clinical testing. Allele origin: germline.
Comment: In summary, the available evidence is currently insufficient to determine the role of this variant in disease. Therefore, it has been classified as a Variant of Uncertain Significance. Algorithms developed to predict the effect of missense changes on protein structure and function are either unavailable or do not agree on the potential impact of this missense change (SIFT: "Tolerated"; PolyPhen-2: "Probably Damaging"; Align-GVGD: "Class C0"). This variant has not been reported in the literature in individuals with ITGA7-related conditions. This variant is not present in population databases (ExAC no frequency). This sequence change replaces alanine with proline at codon 93 of the ITGA7 protein (p.Ala93Pro). The alanine residue is moderately conserved and there is a small physicochemical difference between alanine and proline.

NM_002206.3(ITGA7):c.277G>C (p.Ala93Pro)

Gene: ITGA7 (integrin subunit alpha 7; minus strand). Cytogenetic location: 12q13.2.
Variant type: single nucleotide variant.
Coding change: c.277G>C on transcript NM_002206.3 (MANE Select); coding-DNA position 277, G replaced by C.
Protein change: p.Ala93Pro; replaces alanine 93 with proline.
Molecular consequence: missense variant. On other transcripts: 5 prime UTR variant (3), intron variant (1).
Genome position (GRCh38, 1-based): chr12:55,703,108, C>G on the plus strand (G>C on the coding strand, the complement: ITGA7 is on the minus strand). VCF-style: chr12-55703108-C-G. GRCh37 (hg19) VCF-style: chr12-56096892-C-G.
Other names: c.277G>C, p.Ala93Pro (NM_001144996.2, NM_001374465.1, NM_001410977.1 and 6 more transcripts); c.-63G>C (NM_001367993.1, NM_001414035.1); c.-896G>C (NM_001367994.1); c.86-1692G>C (NM_001144997.2); short protein forms A93P.
Identifiers: ClinVar variation 1011153 (VCV001011153.9), dbSNP rs777338785, ClinGen allele CA385193853.